The following is an entry in ClinVar:

ClinVar aggregate classification (germline): Uncertain significance. Review status: criteria provided, multiple submitters, no conflicts (2 of 4 stars). 2 submissions from 2 submitters: Uncertain significance (2). Last evaluated 2024-03-10.

Conditions:
Hereditary cancer-predisposing syndrome. Also called: Tumor predisposition; Hereditary neoplastic syndrome; Hereditary Cancer Syndrome; Neoplastic Syndromes, Hereditary. Identifiers: Orphanet 140162, MedGen C0027672, MeSH D009386, MONDO:0015356.

gnomAD v4.1: 1 of 1,614,126 alleles (0.000062%); highest among the groups gnomAD compares: Non-Finnish European, 0.000085%; no homozygotes.

Submissions (2):

Ambry Genetics
Classification: Uncertain significance for Hereditary cancer-predisposing syndrome. Last evaluated: 2024-03-10. Review status: criteria provided, single submitter. Criteria: Ambry Variant Classification Scheme 2023. Collection method: clinical testing. Allele origin: germline.
Comment: The p.P1408T variant (also known as c.4222C>A), located in coding exon 21 of the BLM gene, results from a C to A substitution at nucleotide position 4222. The proline at codon 1408 is replaced by threonine, an amino acid with highly similar properties. This amino acid position is conserved. In addition, this alteration is predicted to be tolerated by in silico analysis. Based on the available evidence, the clinical significance of this alteration remains unclear.

GeneDx
Classification: Uncertain significance. Last evaluated: 2023-06-18. Review status: criteria provided, single submitter. Criteria: GeneDx Variant Classification Process June 2021. Collection method: clinical testing. Allele origin: germline. Affected: yes.
Comment: Not observed at significant frequency in large population cohorts (gnomAD); In silico analysis supports that this missense variant has a deleterious effect on protein structure/function; Has not been previously published as pathogenic or benign to our knowledge

NM_000057.4(BLM):c.4222C>A (p.Pro1408Thr)

Gene: BLM (BLM RecQ like helicase; plus strand). Cytogenetic location: 15q26.1.
Variant type: single nucleotide variant.
Coding change: c.4222C>A on transcript NM_000057.4 (MANE Select); coding-DNA position 4222, C replaced by A.
Protein change: p.Pro1408Thr; replaces proline 1408 with threonine.
Molecular consequence: missense variant.
Genome position (GRCh38, 1-based): chr15:90,815,247, C>A. VCF-style: chr15-90815247-C-A. GRCh37 (hg19) VCF-style: chr15-91358477-C-A.
Other names: c.4222C>A, p.Pro1408Thr (NM_001287246.2); c.3829C>A, p.Pro1277Thr (NM_001287247.2); c.3097C>A, p.Pro1033Thr (NM_001287248.2); short protein forms P1033T, P1277T, P1408T.
Identifiers: ClinVar variation 3224773 (VCV003224773.2), dbSNP rs1897532050, ClinGen allele CA393853133.